The following is an entry in ClinVar:

NM_024529.5(CDC73):c.1562A>G (p.Tyr521Cys)

Gene: CDC73 (cell division cycle 73; plus strand). Cytogenetic location: 1q31.2.
Variant type: single nucleotide variant.
Coding change: c.1562A>G on transcript NM_024529.5 (MANE Select); coding-DNA position 1562, A replaced by G.
Protein change: p.Tyr521Cys; replaces tyrosine 521 with cysteine.
Molecular consequence: missense variant.
Genome position (GRCh38, 1-based): chr1:193,250,678, A>G. VCF-style: chr1-193250678-A-G. GRCh37 (hg19) VCF-style: chr1-193219808-A-G.
Other names: short protein forms Y521C.
Identifiers: ClinVar variation 2450595 (VCV002450595.2), dbSNP rs2527526275, ClinGen allele CA344078681.

ClinVar aggregate classification (germline): Uncertain significance (1 of 4 stars; one submission).

Conditions:
Hereditary cancer-predisposing syndrome. Also called: Neoplastic Syndromes, Hereditary; Tumor predisposition; Hereditary neoplastic syndrome; Hereditary Cancer Syndrome. Identifiers: Orphanet 140162, MedGen C0027672, MeSH D009386, MONDO:0015356.

Submission:

Ambry Genetics
Classification: Uncertain significance for Hereditary cancer-predisposing syndrome. Last evaluated: 2023-03-02. Review status: criteria provided, single submitter. Criteria: Ambry Variant Classification Scheme 2023. Collection method: clinical testing. Allele origin: germline.
Comment: The p.Y521C variant (also known as c.1562A>G), located in coding exon 17 of the CDC73 gene, results from an A to G substitution at nucleotide position 1562. The tyrosine at codon 521 is replaced by cysteine, an amino acid with highly dissimilar properties. This amino acid position is conserved. In addition, this alteration is predicted to be deleterious by in silico analysis. Since supporting evidence is limited at this time, the clinical significance of this alteration remains unclear.